The following is an entry in ClinVar:

ClinVar aggregate classification (germline): Pathogenic/Likely pathogenic. Review status: criteria provided, multiple submitters, no conflicts (2 of 4 stars). 6 submissions from 6 submitters: Pathogenic (3); Likely pathogenic (2). 1 of the submissions does not count toward it. Last evaluated 2024-09-25.

Conditions:
Familial cancer of breast. Also called: hereditary breast carcinoma; BREAST CANCER, FAMILIAL; Hereditary breast cancer. Identifiers: Orphanet 227535, MedGen C0346153, MONDO:0016419, OMIM 114480. Disease mechanism: loss of function.
Hereditary cancer-predisposing syndrome. Also called: Hereditary Cancer Syndrome; Tumor predisposition; Neoplastic Syndromes, Hereditary; Hereditary neoplastic syndrome. Identifiers: Orphanet 140162, MedGen C0027672, MeSH D009386, MONDO:0015356.
Ataxia-telangiectasia syndrome (AT). Also called: Ataxia-telangiectasia, complementation group E; Cerebello-oculocutaneous telangiectasia; Immunodeficiency with ataxia telangiectasia; ATAXIA-TELANGIECTASIA, COMPLEMENTATION GROUP A; ATAXIA-TELANGIECTASIA, FRESNO VARIANT; Ataxia-telangiectasia. Identifiers: Orphanet 100, MedGen C0004135, MONDO:0008840, OMIM 208900.
Malignant tumor of urinary bladder. Also called: Bladder cancer; Urinary Bladder Neoplasms; Urinary bladder cancer. Identifiers: MedGen C0005684, MONDO:0001187, OMIM 109800.
ATM-related cancer predisposition. Also called: ATM-related cancer susceptibility. Identifiers: MedGen CN377759, MONDO:0700270.

Allele frequency attached by ClinVar (database versions not stated): ExAC 0.00003; gnomAD exomes 0.00008.

Submissions (13):

Labcorp Genetics (formerly Invitae), Labcorp
Classification: Pathogenic for Ataxia-telangiectasia syndrome. Last evaluated: 2024-09-25. Review status: criteria provided, single submitter. Criteria: Invitae Variant Classification Sherloc (09022015). Collection method: clinical testing. Allele origin: germline.
Comment: This sequence change affects an acceptor splice site in intron 9 of the ATM gene. It is expected to disrupt RNA splicing. Variants that disrupt the donor or acceptor splice site typically lead to a loss of protein function (PMID: 16199547), and loss-of-function variants in ATM are known to be pathogenic (PMID: 23807571, 25614872). The frequency data for this variant in the population databases is considered unreliable, as metrics indicate poor data quality at this position in the gnomAD database. Disruption of this splice site has been observed in individual(s) with breast cancer and ataxia-telangiectasia (PMID: 14695534, 24763289, 30303537). ClinVar contains an entry for this variant (Variation ID: 375249). Studies have shown that disruption of this splice site alters ATM gene expression (PMID: 14695534). Algorithms developed to predict the effect of sequence changes on RNA splicing suggest that this variant may disrupt the consensus splice site. For these reasons, this variant has been classified as Pathogenic.

Institute for Genomic Medicine (IGM) Clinical Laboratory, Nationwide Children's Hospital
Classification: Likely pathogenic for ATM-related cancer predisposition. Last evaluated: 2024-05-15. Review status: criteria provided, single submitter. Criteria: ACMG Guidelines, 2015. Collection method: clinical testing. Allele origin: germline.
Comment: This variant is predicted to result in loss of function through nonsense-mediated decay of the encoded transcript or premature truncation of the encoded protein in a gene in which loss of function is a known mechanism of disease (ACMG/AMP: PVS1; PMIDs:14695534, 10677309, 33509806). This variant has been reported at an elevated frequency in affected individuals/in multiple affected individuals in the literature (ACMG/AMP: PS4_Moderate; PMIDs:24763289, 38028594, 30303537).

Laboratory of Medical Genetics, National & Kapodistrian University of Athens
Classification: Pathogenic for Ataxia-telangiectasia syndrome. Last evaluated: 2024-02-01. Review status: criteria provided, single submitter. Criteria: ACMG Guidelines, 2015. Collection method: curation. Allele origin: germline. Affected: no.

Myriad Genetics, Inc.
Classification: Likely pathogenic for Familial cancer of breast. Last evaluated: 2024-01-12. Review status: criteria provided, single submitter. Criteria: Myriad Autosomal Dominant, Autosomal Recessive and X-Linked Classification Criteria (2023). Collection method: clinical testing. Allele origin: unknown.
Comment: This variant is considered likely pathogenic. This variant occurs within a consensus splice junction and is predicted to result in abnormal mRNA splicing of either an out-of-frame exon or an in-frame exon necessary for protein stability and/or normal function.

Ambry Genetics
Classification: Pathogenic for Hereditary cancer-predisposing syndrome. Last evaluated: 2021-01-12. Review status: criteria provided, single submitter. Criteria: Ambry Variant Classification Scheme 2023. Collection method: clinical testing. Allele origin: germline.
Comment: The c.1236-2A>T intronic pathogenic mutation results from an A to T substitution two nucleotides upstream from coding exon 9 in the ATM gene. This nucleotide position is highly conserved in available vertebrate species. This alteration was identified in 1/1207 cases of French women diagnosed with breast cancer who had a sister with breast cancer and were BRCA1 and BRCA2 negative and 1/1199 general population controls (Girard E et al. Int J Cancer, 2019 04;144:1962-1974). In silico splice site analysis predicts that this alteration will weaken the native splice acceptor site and will result in the creation or strengthening of a novel splice acceptor site. RNA studies have demonstrated that this alteration results in abnormal splicing in the set of samples tested (Ambry internal data). Another alteration impacting the same acceptor site (c.1236-2A>G) has been identified in multiple individuals with ataxia telangiectasia (A-T) and has been shown to have a similar impact on splicing (Coutinho G et al. Am J Med Genet A, 2004 Apr;126A:33-40). Based on the supporting evidence, this alteration is interpreted as a disease-causing mutation.

Dr. Peter K. Rogan Lab, Western University
No classification provided (evidence only). Condition: Familial cancer of breast. Review status: no classification provided. Collection method: in vitro. Allele origin: not applicable. Functional consequence: retained intron. Not counted in ClinVar's aggregate classification.

Dr. Peter K. Rogan Lab, Western University
No classification provided (evidence only). Condition: Familial cancer of breast. Review status: no classification provided. Collection method: in vitro. Allele origin: not applicable. Functional consequence: retained intron. Not counted in ClinVar's aggregate classification.

Dr. Peter K. Rogan Lab, Western University
No classification provided (evidence only). Condition: Familial cancer of breast. Review status: no classification provided. Collection method: in vitro. Allele origin: not applicable. Functional consequence: retained intron. Not counted in ClinVar's aggregate classification.

Dr. Peter K. Rogan Lab, Western University
No classification provided (evidence only). Condition: Acute myeloid leukemia. Review status: no classification provided. Collection method: in vitro. Allele origin: not applicable. Functional consequence: retained intron. Not counted in ClinVar's aggregate classification.

Dr. Peter K. Rogan Lab, Western University
No classification provided (evidence only). Condition: Cervical cancer. Review status: no classification provided. Collection method: in vitro. Allele origin: not applicable. Functional consequence: retained intron. Not counted in ClinVar's aggregate classification.

Dr. Peter K. Rogan Lab, Western University
No classification provided (evidence only). Condition: Sarcoma. Review status: no classification provided. Collection method: in vitro. Allele origin: not applicable. Functional consequence: retained intron. Not counted in ClinVar's aggregate classification.

Dr. Peter K. Rogan Lab, Western University
No classification provided (evidence only). Condition: Malignant tumor of esophagus. Review status: no classification provided. Collection method: in vitro. Allele origin: not applicable. Functional consequence: retained intron. Not counted in ClinVar's aggregate classification.

Laboratory of Urology, Hospital Clinic de Barcelona
Classification: Pathogenic for Malignant tumor of urinary bladder. Review status: no assertion criteria provided. Collection method: research. Allele origin: somatic. Affected: yes. Not counted in ClinVar's aggregate classification.

Literature cited by the submitters: PubMed 16199547 (cited by Labcorp Genetics (formerly Invitae), Labcorp); PubMed 23807571 (cited by Labcorp Genetics (formerly Invitae), Labcorp); PubMed 25614872 (cited by Labcorp Genetics (formerly Invitae), Labcorp); PubMed 14695534 (cited by Labcorp Genetics (formerly Invitae), Labcorp and Institute for Genomic Medicine (IGM) Clinical Laboratory, Nationwide Children's Hospital); PubMed 24763289 (cited by Labcorp Genetics (formerly Invitae), Labcorp and Institute for Genomic Medicine (IGM) Clinical Laboratory, Nationwide Children's Hospital); PubMed 30303537 (cited by 3 submitters); PubMed 10677309 (cited by Institute for Genomic Medicine (IGM) Clinical Laboratory, Nationwide Children's Hospital); PubMed 33509806 (cited by Institute for Genomic Medicine (IGM) Clinical Laboratory, Nationwide Children's Hospital); PubMed 38028594 (cited by Institute for Genomic Medicine (IGM) Clinical Laboratory, Nationwide Children's Hospital); PubMed 15039971 (cited by Ambry Genetics).

NM_000051.4(ATM):c.1236-2A>T

Gene: ATM (ATM serine/threonine kinase; plus strand). Cytogenetic location: 11q22.3.
Variant type: single nucleotide variant.
Coding change: c.1236-2A>T on transcript NM_000051.4 (MANE Select); the canonical splice acceptor site of the intron before coding-DNA position 1236, A replaced by T.
Molecular consequence: splice acceptor variant.
Genome position (GRCh38, 1-based): chr11:108,250,699, A>T. VCF-style: chr11-108250699-A-T. GRCh37 (hg19) VCF-style: chr11-108121426-A-T.
Other names: c.1236-2A>T (NM_001351834.2).
Identifiers: ClinVar variation 375249 (VCV000375249.15), dbSNP rs80159221, ClinGen allele CA6264792.